The following is an entry in ClinVar:

NM_020800.3(IFT80):c.1030T>C (p.Tyr344His)

Genes: IFT80 (intraflagellar transport 80; minus strand), TRIM59-IFT80 (TRIM59-IFT80 readthrough (NMD candidate); minus strand). Cytogenetic location: 3q25.33.
Variant type: single nucleotide variant.
Coding change: c.1030T>C on transcript NM_020800.3 (MANE Select); coding-DNA position 1030, T replaced by C.
Protein change: p.Tyr344His; replaces tyrosine 344 with histidine.
Molecular consequence: missense variant. On other transcripts: non-coding transcript variant (3).
Genome position (GRCh38, 1-based): chr3:160,307,709, A>G on the plus strand (T>C on the coding strand, the complement: IFT80 is on the minus strand). VCF-style: chr3-160307709-A-G. GRCh37 (hg19) VCF-style: chr3-160025497-A-G.
Other names: c.619T>C, p.Tyr207His (NM_001190241.2, NM_001190242.2); short protein forms Y207H, Y344H.
Identifiers: ClinVar variation 1360856 (VCV001360856.8), dbSNP rs2108277043, ClinGen allele CA355194536.

ClinVar aggregate classification (germline): Uncertain significance (1 of 4 stars; one submission).

Conditions:
Jeune thoracic dystrophy. Also called: Jeune syndrome; Infantile thoracic dystrophy; Thoracic pelvic phalangeal dystrophy; Jeune's syndrome; Chondroectodermal dysplasia-like syndrome; Short-rib thoracic dysplasia. Identifiers: Orphanet 474, MedGen C0265275, MONDO:0018770.

Allele frequency attached by ClinVar (database versions not stated): gnomAD exomes below 0.00001.
gnomAD v4.1: 1 of 1,603,878 alleles (0.000062%); highest among the groups gnomAD compares: Non-Finnish European, 0.000085%; no homozygotes.

Submission:

Labcorp Genetics (formerly Invitae), Labcorp
Classification: Uncertain significance for Jeune thoracic dystrophy. Last evaluated: 2022-04-29. Review status: criteria provided, single submitter. Criteria: Invitae Variant Classification Sherloc (09022015). Collection method: clinical testing. Allele origin: germline.
Comment: In summary, the available evidence is currently insufficient to determine the role of this variant in disease. Therefore, it has been classified as a Variant of Uncertain Significance. Algorithms developed to predict the effect of missense changes on protein structure and function output the following: SIFT: "Tolerated"; PolyPhen-2: "Benign"; Align-GVGD: "Class C0". The histidine amino acid residue is found in multiple mammalian species, which suggests that this missense change does not adversely affect protein function. This variant has not been reported in the literature in individuals affected with IFT80-related conditions. This variant is not present in population databases (gnomAD no frequency). This sequence change replaces tyrosine, which is neutral and polar, with histidine, which is basic and polar, at codon 344 of the IFT80 protein (p.Tyr344His).